The following is an entry in ClinVar:

ClinVar aggregate classification (germline): Pathogenic/Likely pathogenic. Review status: criteria provided, multiple submitters, no conflicts (2 of 4 stars). 3 submissions from 3 submitters: Pathogenic (2); Likely pathogenic (1). Last evaluated 2023-02-06.

Conditions:
Anemia, nonspherocytic hemolytic, due to G6PD deficiency (CNSHA1). Also called: Hemolytic anemia due to G6PD deficiency; Favism, susceptibility to; ANEMIA, CONGENITAL, NONSPHEROCYTIC HEMOLYTIC, 1; Class I glucose-6-phosphate dehydrogenase deficiency. Identifiers: Orphanet 466026, MedGen C2720289, MONDO:0010480, OMIM 300908.

Submissions (3):

Revvity Omics, Revvity
Classification: Likely pathogenic for Anemia, nonspherocytic hemolytic, due to G6PD deficiency. Last evaluated: 2023-02-06. Review status: criteria provided, single submitter. Criteria: ACMG Guidelines, 2015. Collection method: clinical testing. Allele origin: germline.

Dunham Lab, University of Washington
Classification: Pathogenic for Anemia, nonspherocytic hemolytic, due to G6PD deficiency. Last evaluated: 2022-08-12. Review status: criteria provided, single submitter. Criteria: Bayesian ACMG Guidelines, 2018. Collection method: curation. Allele origin: unknown. Affected: yes.
Comment: Variant found in unrelated hemizygotes with deficiency and CNSHA (PS4_M, PP4). Decreased activity in red blood cells of hemizygotes (4-21%) (PS3). Alters dimer interface (PM5). Not found in gnomAD (PM2). Reported as pathogenic by ARUP Laboratories (PP5). Post_P 0.999 (odds of pathogenicity 6568, Prior_P 0.1).

ARUP Laboratories, Molecular Genetics and Genomics, ARUP Laboratories
Classification: Pathogenic. Last evaluated: 2016-10-09. Review status: criteria provided, single submitter. Criteria: ARUP Molecular Germline Variant Investigation Process. Collection method: clinical testing. Allele origin: germline.

Literature cited by the submitters: PubMed 7327562 (cited by Dunham Lab, University of Washington); PubMed 7858267 (cited by Dunham Lab, University of Washington); PubMed 8141125 (cited by Dunham Lab, University of Washington).

NM_001360016.2(G6PD):c.1318C>T (p.Leu440Phe)

Gene: G6PD (glucose-6-phosphate dehydrogenase; minus strand). Cytogenetic location: Xq28.
Variant type: single nucleotide variant.
Coding change: c.1318C>T on transcript NM_001360016.2 (MANE Select); coding-DNA position 1318, C replaced by T.
Protein change: p.Leu440Phe; replaces leucine 440 with phenylalanine.
Molecular consequence: missense variant.
Genome position (GRCh38, 1-based): chrX:154,532,432, G>A on the plus strand (C>T on the coding strand, the complement: G6PD is on the minus strand). VCF-style: chrX-154532432-G-A. GRCh37 (hg19) VCF-style: chrX-153760647-G-A.
Other names: G6PD Kobe; G6PD Telti; c.1408C>T, p.Leu470Phe (NM_000402.4); c.1318C>T, p.Leu440Phe (NM_001042351.3); c.1318C>T (NM_001042351.1); short protein forms L440F, L470F.
Identifiers: ClinVar variation 439743 (VCV000439743.12), dbSNP rs1557229599, ClinGen allele CA415233720.
Genomic context (GRCh38, chrX:154,532,432, plus strand): 5'-CAGCTGGGCCTCACCTGCGCACGAAGTGCATCTGGCTCCCGCAGAAGACGTCCAGGATGA[G>A]GCGCTCATAGGCGTCAGGGAGCTTCACGTTCTGTGAGGGAGAGAGTGTCTTGCTGATGCC-3'
Protein context (NP_001346945.1, residues 430-450): NVKLPDAYER[Leu440Phe]ILDVFCGSQM